The following is an entry in ClinVar:

ClinVar aggregate classification (germline): Uncertain significance (0 of 4 stars; one submission).

Conditions:
TTC21B-related disorder. Also called: TTC21B-related condition; TTC21B-related disorders.

Submission:

PreventionGenetics, part of Exact Sciences
Classification: Uncertain significance for TTC21B-related condition. Last evaluated: 2024-07-29. Review status: no assertion criteria provided. Collection method: clinical testing. Allele origin: germline.
Comment: The TTC21B c.1257A>C variant is predicted to result in the amino acid substitution p.Leu419Phe. To our knowledge, this variant has not been reported in the literature or in a large population database, indicating this variant is rare. At this time, the clinical significance of this variant is uncertain due to the absence of conclusive functional and genetic evidence.

NM_024753.5(TTC21B):c.1257A>C (p.Leu419Phe)

Gene: TTC21B (tetratricopeptide repeat domain 21B; minus strand). Cytogenetic location: 2q24.3.
Variant type: single nucleotide variant.
Coding change: c.1257A>C on transcript NM_024753.5 (MANE Select); coding-DNA position 1257, A replaced by C.
Protein change: p.Leu419Phe; replaces leucine 419 with phenylalanine.
Molecular consequence: missense variant.
Genome position (GRCh38, 1-based): chr2:165,929,264, T>G on the plus strand (A>C on the coding strand, the complement: TTC21B is on the minus strand). VCF-style: chr2-165929264-T-G. GRCh37 (hg19) VCF-style: chr2-166785774-T-G.
Other names: short protein forms L419F.
Identifiers: ClinVar variation 3345747 (VCV003345747.1).